The following is an entry in ClinVar:

ClinVar aggregate classification (germline): Conflicting classifications of pathogenicity. Review status: criteria provided, conflicting classifications (1 of 4 stars). 4 submissions from 4 submitters: Uncertain significance (1); Likely benign (3). Last evaluated 2025-11-18.

Conditions:
Congenital contractural arachnodactyly (CCA). Also called: BEALS SYNDROME; Beals-Hecht syndrome; Arthrogryposis, distal, type 9. Identifiers: Orphanet 115, MedGen C0220668, MONDO:0007363, OMIM 121050.
Familial thoracic aortic aneurysm and aortic dissection (TAAD). Also called: Thoracic aortic aneurysms and dissections. Identifiers: Orphanet 91387, MedGen C4707243, MONDO:0019625.

Allele frequency attached by ClinVar (database versions not stated): gnomAD 0.00001; gnomAD exomes 0.00001; TOPMed 0.00001; ExAC 0.00002.
gnomAD v4.1: 13 of 1,613,928 alleles (0.00081%); highest among the groups gnomAD compares: East Asian, 0.0022%; no homozygotes.

Submissions (4):

Labcorp Genetics (formerly Invitae), Labcorp
Classification: Likely benign for Congenital contractural arachnodactyly. Last evaluated: 2025-11-18. Review status: criteria provided, single submitter. Criteria: Invitae Variant Classification Sherloc (09022015). Collection method: clinical testing. Allele origin: germline.

Ambry Genetics
Classification: Likely benign for Familial thoracic aortic aneurysm and aortic dissection. Last evaluated: 2023-06-12. Review status: criteria provided, single submitter. Criteria: Ambry Variant Classification Scheme 2023. Collection method: clinical testing. Allele origin: germline.

CeGaT Center for Human Genetics Tuebingen
Classification: Likely benign. Last evaluated: 2023-06-01. Review status: criteria provided, single submitter. Criteria: CeGaT Center For Human Genetics Tuebingen Variant Classification Criteria Version 2. Collection method: clinical testing. Allele origin: germline. Affected: yes. Observed: 1 variant allele.
Comment: FBN2: BP4, BP7

Illumina Laboratory Services, Illumina
Classification: Uncertain significance for Congenital contractural arachnodactyly. Last evaluated: 2018-01-13. Review status: criteria provided, single submitter. Criteria: ICSL Variant Classification Criteria 13 December 2019. Collection method: clinical testing. Allele origin: germline.

NM_001999.4(FBN2):c.6438C>T (p.Asp2146=)

Gene: FBN2 (fibrillin 2; minus strand). Cytogenetic location: 5q23.3.
Variant type: single nucleotide variant.
Coding change: c.6438C>T on transcript NM_001999.4 (MANE Select); coding-DNA position 6438, C replaced by T.
Protein change: p.Asp2146=; no amino-acid change (aspartic acid 2146 retained).
Molecular consequence: synonymous variant.
Genome position (GRCh38, 1-based): chr5:128,290,739, G>A on the plus strand (C>T on the coding strand, the complement: FBN2 is on the minus strand). VCF-style: chr5-128290739-G-A. GRCh37 (hg19) VCF-style: chr5-127626431-G-A.
Identifiers: ClinVar variation 528439 (VCV000528439.46), dbSNP rs772832233, ClinGen allele CA3394422.